The following is an entry in ClinVar:

ClinVar aggregate classification (germline): Uncertain significance (1 of 4 stars; one submission).

Submission:

Labcorp Genetics (formerly Invitae), Labcorp
Classification: Uncertain significance. Last evaluated: 2024-11-16. Review status: criteria provided, single submitter. Criteria: Invitae Variant Classification Sherloc (09022015). Collection method: clinical testing. Allele origin: germline.
Comment: This sequence change falls in intron 8 of the IRF4 gene. It does not directly change the encoded amino acid sequence of the IRF4 protein. This variant is not present in population databases (gnomAD no frequency). This variant has not been reported in the literature in individuals affected with IRF4-related conditions. Algorithms developed to predict the effect of sequence changes on RNA splicing suggest that this variant may disrupt the consensus splice site. In summary, the available evidence is currently insufficient to determine the role of this variant in disease. Therefore, it has been classified as a Variant of Uncertain Significance.

NM_002460.4(IRF4):c.1213-18T>G

Gene: IRF4 (interferon regulatory factor 4; plus strand). Cytogenetic location: 6p25.3.
Variant type: single nucleotide variant.
Coding change: c.1213-18T>G on transcript NM_002460.4 (MANE Select); 18 bases into the intron before coding-DNA position 1213, T replaced by G.
Molecular consequence: intron variant.
Genome position (GRCh38, 1-based): chr6:407,437, T>G. VCF-style: chr6-407437-T-G. GRCh37 (hg19) VCF-style: chr6-407437-T-G.
Other names: c.1210-18T>G (NM_001195286.2).
Identifiers: ClinVar variation 3725380 (VCV003725380.2).